The following is an entry in ClinVar:

NM_002880.4(RAF1):c.1405A>G (p.Met469Val)

Gene: RAF1 (Raf-1 proto-oncogene, serine/threonine kinase; minus strand). Cytogenetic location: 3p25.2.
Variant type: single nucleotide variant.
Coding change: c.1405A>G on transcript NM_002880.4 (MANE Select); coding-DNA position 1405, A replaced by G.
Protein change: p.Met469Val; replaces methionine 469 with valine.
Molecular consequence: missense variant. On other transcripts: non-coding transcript variant (3).
Genome position (GRCh38, 1-based): chr3:12,587,603, T>C on the plus strand (A>G on the coding strand, the complement: RAF1 is on the minus strand). VCF-style: chr3-12587603-T-C. GRCh37 (hg19) VCF-style: chr3-12629102-T-C.
Other names: c.1465A>G, p.Met489Val (NM_001354689.3); c.1405A>G, p.Met469Val (NM_001354690.3); c.1162A>G, p.Met388Val (NM_001354691.3, NM_001354692.3); c.1306A>G, p.Met436Val (NM_001354693.3); c.1222A>G, p.Met408Val (NM_001354694.3); c.1063A>G, p.Met355Val (NM_001354695.3); short protein forms M408V, M489V, M355V, M388V, M436V, M469V.
Identifiers: ClinVar variation 3635594 (VCV003635594.2).

ClinVar aggregate classification (germline): Uncertain significance (1 of 4 stars; one submission).

Conditions:
RASopathy. Also called: Noonan spectrum disorder; rasopathies. Identifiers: Orphanet 536391, MedGen C5555857, MONDO:0021060.

gnomAD v4.1: 1 of 1,610,254 alleles (0.000062%); highest among the groups gnomAD compares: Middle Eastern, 0.017%; no homozygotes.

Submission:

Labcorp Genetics (formerly Invitae), Labcorp
Classification: Uncertain significance for RASopathy. Last evaluated: 2024-10-28. Review status: criteria provided, single submitter. Criteria: Invitae Variant Classification Sherloc (09022015). Collection method: clinical testing. Allele origin: germline.
Comment: This sequence change replaces methionine, which is neutral and non-polar, with valine, which is neutral and non-polar, at codon 469 of the RAF1 protein (p.Met469Val). This variant is not present in population databases (gnomAD no frequency). This variant has not been reported in the literature in individuals affected with RAF1-related conditions. Invitae Evidence Modeling of protein sequence and biophysical properties (such as structural, functional, and spatial information, amino acid conservation, physicochemical variation, residue mobility, and thermodynamic stability) indicates that this missense variant is expected to disrupt RAF1 protein function with a positive predictive value of 95%. In summary, the available evidence is currently insufficient to determine the role of this variant in disease. Therefore, it has been classified as a Variant of Uncertain Significance.